The following is an entry in ClinVar:

NM_198586.3(NHLRC1):c.827T>C (p.Ile276Thr)

Gene: NHLRC1 (NHL repeat containing E3 ubiquitin protein ligase 1; minus strand). Cytogenetic location: 6p22.3.
Variant type: single nucleotide variant.
Coding change: c.827T>C on transcript NM_198586.3 (MANE Select); coding-DNA position 827, T replaced by C.
Protein change: p.Ile276Thr; replaces isoleucine 276 with threonine.
Molecular consequence: missense variant.
Genome position (GRCh38, 1-based): chr6:18,121,780, A>G on the plus strand (T>C on the coding strand, the complement: NHLRC1 is on the minus strand). VCF-style: chr6-18121780-A-G. GRCh37 (hg19) VCF-style: chr6-18122011-A-G.
Other names: short protein forms I276T.
Identifiers: ClinVar variation 1975362 (VCV001975362.5), dbSNP rs2533896116, ClinGen allele CA362826008.

ClinVar aggregate classification (germline): Uncertain significance (1 of 4 stars; one submission).

Conditions:
Lafora disease. Also called: Progressive Myoclonus Epilepsy, Lafora Type; Epilepsy progressive myoclonic 2. Identifiers: Orphanet 501, MedGen C0751783, MONDO:0009697.

Allele frequency attached by ClinVar (database versions not stated): gnomAD exomes below 0.00001.
gnomAD v4.1: 2 of 1,613,996 alleles (0.00012%); highest among the groups gnomAD compares: African/African-American, 0.0013%; no homozygotes.

Submission:

Labcorp Genetics (formerly Invitae), Labcorp
Classification: Uncertain significance for Lafora disease. Last evaluated: 2022-07-21. Review status: criteria provided, single submitter. Criteria: Invitae Variant Classification Sherloc (09022015). Collection method: clinical testing. Allele origin: germline.
Comment: This variant has not been reported in the literature in individuals affected with NHLRC1-related conditions. Algorithms developed to predict the effect of missense changes on protein structure and function are either unavailable or do not agree on the potential impact of this missense change (SIFT: "Deleterious"; PolyPhen-2: "Benign"; Align-GVGD: "Class C25"). In summary, the available evidence is currently insufficient to determine the role of this variant in disease. Therefore, it has been classified as a Variant of Uncertain Significance. This sequence change replaces isoleucine, which is neutral and non-polar, with threonine, which is neutral and polar, at codon 276 of the NHLRC1 protein (p.Ile276Thr). This variant is not present in population databases (gnomAD no frequency).